The following is an entry in ClinVar:

ClinVar aggregate classification (germline): Uncertain significance (1 of 4 stars; one submission).

Allele frequency attached by ClinVar (database versions not stated): gnomAD exomes below 0.00001.
gnomAD v4.1: 3 of 1,613,392 alleles (0.00019%); highest among the groups gnomAD compares: Non-Finnish European, 0.00025%; no homozygotes.

Submission:

Labcorp Genetics (formerly Invitae), Labcorp
Classification: Uncertain significance. Last evaluated: 2022-10-12. Review status: criteria provided, single submitter. Criteria: Invitae Variant Classification Sherloc (09022015). Collection method: clinical testing. Allele origin: germline.
Comment: In summary, the available evidence is currently insufficient to determine the role of this variant in disease. Therefore, it has been classified as a Variant of Uncertain Significance. Advanced modeling of protein sequence and biophysical properties (such as structural, functional, and spatial information, amino acid conservation, physicochemical variation, residue mobility, and thermodynamic stability) performed at Invitae indicates that this missense variant is not expected to disrupt CFI protein function. This variant has not been reported in the literature in individuals affected with CFI-related conditions. This variant is not present in population databases (gnomAD no frequency). This sequence change replaces threonine, which is neutral and polar, with alanine, which is neutral and non-polar, at codon 308 of the CFI protein (p.Thr308Ala).

NM_000204.5(CFI):c.922A>G (p.Thr308Ala)

Gene: CFI (complement factor I; minus strand). Cytogenetic location: 4q25.
Variant type: single nucleotide variant.
Coding change: c.922A>G on transcript NM_000204.5 (MANE Select); coding-DNA position 922, A replaced by G.
Protein change: p.Thr308Ala; replaces threonine 308 with alanine.
Molecular consequence: missense variant. On other transcripts: non-coding transcript variant (3), intron variant (1).
Genome position (GRCh38, 1-based): chr4:109,752,486, T>C on the plus strand (A>G on the coding strand, the complement: CFI is on the minus strand). VCF-style: chr4-109752486-T-C. GRCh37 (hg19) VCF-style: chr4-110673642-T-C.
Other names: c.946A>G, p.Thr316Ala (NM_001318057.2, NM_001375278.1); c.901A>G, p.Thr301Ala (NM_001331035.2, NM_001375280.1, NM_001375282.1); c.922A>G, p.Thr308Ala (NM_001375279.1, NM_001375281.1); c.313A>G, p.Thr105Ala (NM_001375284.1); c.884-2884A>G (NM_001375283.1); short protein forms T105A, T301A, T308A, T316A.
Identifiers: ClinVar variation 2042631 (VCV002042631.4), dbSNP rs2545397033, ClinGen allele CA357859517.
Genomic context (GRCh38, chr4:109,752,486, plus strand): 5'-AAACCAGTGAGCCACCAATAAAAAAGTATAACGTTAGCTTACCTGCATCCATGTCAGCAG[T>C]CAAAATTTCTGTTTCTTCTATGATAAAACAAAAGATTCCAATGTTTAAAGTTGTTAATTA-3'
Protein context (NP_000195.3, residues 298-318): SVTQEETEIL[Thr308Ala]ADMDAERRRI